The following is an entry in ClinVar:

ClinVar aggregate classification (germline): Pathogenic/Likely pathogenic. Review status: criteria provided, multiple submitters, no conflicts (2 of 4 stars). 2 submissions from 2 submitters: Pathogenic (1); Likely pathogenic (1). Last evaluated 2021-12-13.

Conditions:
Chromosome 2q32-q33 deletion syndrome (GLASS). Also called: Glass syndrome; 2q33.1 deletion syndrome. Identifiers: Orphanet 251019, MedGen C2676739, MONDO:0012864, OMIM 612313.

Submissions (2):

Department of Genetics, Rouen University Hospital, Normandy Center for Genomic and Personalized Medicine
Classification: Pathogenic for Chromosome 2q32-q33 deletion syndrome. Last evaluated: 2021-12-13. Review status: criteria provided, single submitter. Criteria: ACMG Guidelines, 2015. Collection method: clinical testing. Allele origin: de novo. Affected: yes.

Institute of Human Genetics, Clinical Exome/Genome Diagnostics Group, University Hospital Bonn
Classification: Likely pathogenic for Chromosome 2q32-q33 deletion syndrome. Last evaluated: 2021-08-18. Review status: criteria provided, single submitter. Criteria: ACMG Guidelines, 2015. Collection method: clinical testing. Allele origin: de novo. Affected: yes.
Comment: PS2, PS4_moderate, PM2

NM_001172509.2(SATB2):c.1174G>C (p.Gly392Arg)

Gene: SATB2 (SATB homeobox 2; minus strand). Cytogenetic location: 2q33.1.
Variant type: single nucleotide variant.
Coding change: c.1174G>C on transcript NM_001172509.2 (MANE Select); coding-DNA position 1174, G replaced by C.
Protein change: p.Gly392Arg; replaces glycine 392 with arginine.
Molecular consequence: missense variant.
Genome position (GRCh38, 1-based): chr2:199,328,910, C>G on the plus strand (G>C on the coding strand, the complement: SATB2 is on the minus strand). VCF-style: chr2-199328910-C-G. GRCh37 (hg19) VCF-style: chr2-200193633-C-G.
Other names: c.1174G>C, p.Gly392Arg (NM_001172517.1, NM_015265.4); short protein forms G392R.
Identifiers: ClinVar variation 1343141 (VCV001343141.2), dbSNP rs1688108689, ClinGen allele CA350386594.